The following is an entry in ClinVar:

ClinVar aggregate classification (germline): Uncertain significance (1 of 4 stars; one submission).

gnomAD v4.1: 7 of 1,593,572 alleles (0.00044%); highest among the groups gnomAD compares: South Asian, 0.0011%; no homozygotes.

Submission:

Labcorp Genetics (formerly Invitae), Labcorp
Classification: Uncertain significance. Last evaluated: 2025-05-07. Review status: criteria provided, single submitter. Criteria: Invitae Variant Classification Sherloc (09022015). Collection method: clinical testing. Allele origin: germline.
Comment: This sequence change replaces methionine, which is neutral and non-polar, with leucine, which is neutral and non-polar, at codon 240 of the CARMIL2 protein (p.Met240Leu). This variant is present in population databases (rs748179387, gnomAD 0.005%). This variant has not been reported in the literature in individuals affected with CARMIL2-related conditions. Invitae Evidence Modeling of protein sequence and biophysical properties (such as structural, functional, and spatial information, amino acid conservation, physicochemical variation, residue mobility, and thermodynamic stability) indicates that this missense variant is not expected to disrupt CARMIL2 protein function with a negative predictive value of 80%. In summary, the available evidence is currently insufficient to determine the role of this variant in disease. Therefore, it has been classified as a Variant of Uncertain Significance.

NM_001013838.3(CARMIL2):c.718A>C (p.Met240Leu)

Gene: CARMIL2 (capping protein regulator and myosin 1 linker 2; plus strand). Cytogenetic location: 16q22.1.
Variant type: single nucleotide variant.
Coding change: c.718A>C on transcript NM_001013838.3 (MANE Select); coding-DNA position 718, A replaced by C.
Protein change: p.Met240Leu; replaces methionine 240 with leucine.
Molecular consequence: missense variant.
Genome position (GRCh38, 1-based): chr16:67,647,329, A>C. VCF-style: chr16-67647329-A-C. GRCh37 (hg19) VCF-style: chr16-67681232-A-C.
Other names: c.718A>C, p.Met240Leu (NM_001317026.3, NM_001438244.1, NM_001438835.1); short protein forms M240L.
Identifiers: ClinVar variation 4700715 (VCV004700715.1).